The following is an entry in ClinVar:

NM_006904.7(PRKDC):c.7368C>G (p.Asn2456Lys)

Gene: PRKDC (protein kinase, DNA-activated, catalytic subunit; minus strand). Cytogenetic location: 8q11.21.
Variant type: single nucleotide variant.
Coding change: c.7368C>G on transcript NM_006904.7 (MANE Select); coding-DNA position 7368, C replaced by G.
Protein change: p.Asn2456Lys; replaces asparagine 2456 with lysine.
Molecular consequence: missense variant.
Genome position (GRCh38, 1-based): chr8:47,840,102, G>C on the plus strand (C>G on the coding strand, the complement: PRKDC is on the minus strand). VCF-style: chr8-47840102-G-C. GRCh37 (hg19) VCF-style: chr8-48752663-G-C.
Other names: c.7368C>G, p.Asn2456Lys (NM_001081640.2); short protein forms N2456K.
Identifiers: ClinVar variation 1758534 (VCV001758534.2), dbSNP rs2551867923, ClinGen allele CA371155230.
Genomic context (GRCh38, chr8:47,840,102, plus strand): 5'-AATATTATACATTTGTTCCCTACATGTTGTAGAAGGATGGGAAACGAATTCCACAACGGG[G>C]TTCAGAAGTTCTCGGAGTTCTACTGGTTTTAACTTTGGCATCATCTTATAAATTATGTCC-3'
Protein context (NP_008835.5, residues 2446-2466): LKPVELRELL[Asn2456Lys]PVVEFVSHPS

ClinVar aggregate classification (germline): Uncertain significance (1 of 4 stars; one submission).

Submission:

Ambry Genetics
Classification: Uncertain significance. Last evaluated: 2021-08-13. Review status: criteria provided, single submitter. Criteria: Ambry Variant Classification Scheme 2023. Collection method: clinical testing. Allele origin: germline.
Comment: The p.N2456K variant (also known as c.7368C>G), located in coding exon 55 of the PRKDC gene, results from a C to G substitution at nucleotide position 7368. The asparagine at codon 2456 is replaced by lysine, an amino acid with similar properties. This amino acid position is conserved. In addition, this alteration is predicted to be tolerated by in silico analysis. Since supporting evidence is limited at this time, the clinical significance of this alteration remains unclear.